The following is an entry in ClinVar:

ClinVar aggregate classification (germline): Uncertain significance (1 of 4 stars; one submission).

Conditions:
Charcot-Marie-Tooth disease type 4. Also called: Charcot-Marie-Tooth disease, type IV; Charcot-Marie-Tooth, Type 4. Identifiers: Orphanet 64749, MedGen C4082197, MONDO:0018995.

Submission:

Labcorp Genetics (formerly Invitae), Labcorp
Classification: Uncertain significance for Charcot-Marie-Tooth disease type 4. Last evaluated: 2022-06-27. Review status: criteria provided, single submitter. Criteria: Invitae Variant Classification Sherloc (09022015). Collection method: clinical testing. Allele origin: germline.
Comment: This variant results in a copy number gain of the genomic region encompassing exon(s) 15-17 of the FGD4 gene. This region includes the termination codon of the gene. This copy number gain extends beyond the assayed region for this gene and therefore may encompass additional genes. As the precise location of this event is unknown, it may be in tandem or it may be located elsewhere in the genome. A similar copy number variant has been observed in individual(s) with clinical features of Charcot-Marie-Tooth disease (PMID: 32376792). Experimental studies and prediction algorithms are not available or were not evaluated, and the functional significance of this variant is currently unknown. In summary, the available evidence is currently insufficient to determine the role of this variant in disease. Therefore, it has been classified as a Variant of Uncertain Significance.

Literature cited by the submitters: PubMed 32376792.

NC_000012.11:g.(?_32786463)_(32793467_?)dup

Gene: FGD4 (FYVE, RhoGEF and PH domain containing 4; plus strand). Cytogenetic location: 12p11.21.
Variant type: Duplication.
Identifiers: ClinVar variation 1445333 (VCV001445333.4).